The following is an entry in ClinVar:

ClinVar aggregate classification (germline): Uncertain significance (1 of 4 stars; one submission).

Submission:

Labcorp Genetics (formerly Invitae), Labcorp
Classification: Uncertain significance. Last evaluated: 2022-01-13. Review status: criteria provided, single submitter. Criteria: Invitae Variant Classification Sherloc (09022015). Collection method: clinical testing. Allele origin: germline.
Comment: Experimental studies and prediction algorithms are not available or were not evaluated, and the functional significance of this variant is currently unknown. In summary, the available evidence is currently insufficient to determine the role of this variant in disease. Therefore, it has been classified as a Variant of Uncertain Significance. This variant has not been reported in the literature in individuals affected with WDR62-related conditions. This variant, c.1744_1746del, results in the deletion of 1 amino acid(s) of the WDR62 protein (p.Ser582del), but otherwise preserves the integrity of the reading frame. This variant is present in population databases (rs761280012, gnomAD 0.007%).

NM_001083961.2(WDR62):c.1738TCC[2] (p.Ser582del)

Gene: WDR62 (WD repeat domain 62; plus strand). Cytogenetic location: 19q13.12.
Variant type: Microsatellite.
Coding change: c.1738TCC[2] on transcript NM_001083961.2 (MANE Select); two copies in a row of the 3-base unit TCC starting at c.1738; the reference has three copies in a row; one copy, 3 bases deleted.
Protein change: p.Ser582del; deletes serine 582.
Molecular consequence: inframe deletion. On other transcripts: inframe indel (3).
Genome position (GRCh38, 1-based): chr19:36,086,788-36,086,790, TCC deleted; deleting any 3 consecutive bases within chr19:36,086,781-36,086,790 gives the same sequence; the position shown is the placement nearest the transcript's 3' end. VCF-style (leftmost placement, unchanged base first): chr19-36086780-ACTC-A. GRCh37 (hg19) VCF-style: chr19-36577682-ACTC-A.
Other names: c.1723_1725TCC[2], p.Ser577del (NM_001411145.1); c.1738_1740TCC[2], p.Ser582del (NM_001411146.1); c.1387_1389TCC[2], p.Ser465del (NM_001411147.1); c.1738TCC[2], p.Ser582del (NM_173636.5); short protein forms S465del, S577del, S582del.
Identifiers: ClinVar variation 2170983 (VCV002170983.4), dbSNP rs761280012, ClinGen allele CA9395699.